The following is an entry in ClinVar:

NM_000138.5(FBN1):c.5548C>T (p.Arg1850Cys)

Gene: FBN1 (fibrillin 1; minus strand). Cytogenetic location: 15q21.1.
Variant type: single nucleotide variant.
Coding change: c.5548C>T on transcript NM_000138.5 (MANE Select); coding-DNA position 5548, C replaced by T.
Protein change: p.Arg1850Cys; replaces arginine 1850 with cysteine.
Molecular consequence: missense variant.
Genome position (GRCh38, 1-based): chr15:48,448,891, G>A on the plus strand (C>T on the coding strand, the complement: FBN1 is on the minus strand). VCF-style: chr15-48448891-G-A. GRCh37 (hg19) VCF-style: chr15-48741088-G-A.
Other names: short protein forms R1850C.
Identifiers: ClinVar variation 919776 (VCV000919776.16), dbSNP rs750720912, ClinGen allele CA055227.

ClinVar aggregate classification (germline): Conflicting classifications of pathogenicity. Review status: criteria provided, conflicting classifications (1 of 4 stars). 5 submissions from 5 submitters: Likely pathogenic (1); Uncertain significance (4). Last evaluated 2026-06-30.

Conditions:
Familial thoracic aortic aneurysm and aortic dissection (TAAD). Also called: Thoracic aortic aneurysms and dissections. Identifiers: Orphanet 91387, MedGen C4707243, MONDO:0019625.
Marfan syndrome (MFS). Also called: Marfan syndrome, classic; Marfan syndrome type 1; Marfan's syndrome; FBN1-Related Marfan Syndrome; MARFAN SYNDROME, TYPE I. Identifiers: Orphanet 284963, Orphanet 558, MedGen C0024796, MONDO:0007947, OMIM 154700.

Allele frequency attached by ClinVar (database versions not stated): ExAC 0.00001; gnomAD exomes 0.00001; TOPMed 0.00001.
gnomAD v4.1: 6 of 1,610,474 alleles (0.00037%); highest among the groups gnomAD compares: Admixed American, 0.0017%; no homozygotes.

Submissions (5):

GeneDx
Classification: Likely pathogenic. Last evaluated: 2026-06-30. Review status: criteria provided, single submitter. Criteria: GeneDx Variant Classification Process June 2021. Collection method: clinical testing. Allele origin: germline.
Comment: Introduces a new cysteine residue within an EGF-like domain of the FBN1 gene, which may affect disulfide bonding and is predicted to alter the structure and function of the protein; cysteine substitutions in the EGF-like domains represent the majority of pathogenic missense changes associated with FBN1-related disorders (PMID: 12938084); Not observed at significant frequency in large population cohorts (gnomAD); In silico analysis supports that this missense variant has a deleterious effect on protein structure/function; Has not been previously published as pathogenic or benign germline variant to our knowledge associated with an FBN1-related disorder; This variant is associated with the following publications: (PMID: 29127303, 12938084)

Labcorp Genetics (formerly Invitae), Labcorp
Classification: Uncertain significance for Marfan syndrome; Familial thoracic aortic aneurysm and aortic dissection. Last evaluated: 2025-11-10. Review status: criteria provided, single submitter. Criteria: Invitae Variant Classification Sherloc (09022015). Collection method: clinical testing. Allele origin: germline.
Comment: This sequence change replaces arginine, which is basic and polar, with cysteine, which is neutral and slightly polar, at codon 1850 of the FBN1 protein (p.Arg1850Cys). This variant is present in population databases (rs750720912, gnomAD 0.002%). This variant has not been reported in the literature in individuals affected with FBN1-related conditions. ClinVar contains an entry for this variant (Variation ID: 919776). An algorithm developed to predict the effect of missense changes on protein structure and function (PolyPhen-2) suggests that this variant is likely to be disruptive. In summary, the available evidence is currently insufficient to determine the role of this variant in disease. Therefore, it has been classified as a Variant of Uncertain Significance.

Color Diagnostics, LLC DBA Color Health
Classification: Uncertain significance for Familial thoracic aortic aneurysm and aortic dissection. Last evaluated: 2025-04-17. Review status: criteria provided, single submitter. Criteria: ACMG Guidelines, 2015. Collection method: clinical testing. Allele origin: germline.
Comment: This missense variant replaces arginine with cysteine at codon 1850 in an EGF-like calcium-binding domain of the FBN1 protein. Computational prediction suggests that this variant may have a deleterious impact on protein structure and function. Cysteine creating variants in cbEGF-like domains have been shown to affect protein stability and are overrepresented among patients with Marfan syndrome (PMID: 15161917, 16571647, 17701892). To our knowledge, functional studies have not been reported for this variant. This variant has not been reported in individuals affected with FBN1-related disorders in the literature. This variant has been identified in 2/250490 chromosomes in the general population by the Genome Aggregation Database (gnomAD). The available evidence is insufficient to determine the role of this variant in disease conclusively. Therefore, this variant is classified as a Variant of Uncertain Significance.

All of Us Research Program, National Institutes of Health
Classification: Uncertain significance for Marfan syndrome. Last evaluated: 2023-05-15. Review status: criteria provided, single submitter. Criteria: ACMG Guidelines, 2015. Collection method: clinical testing. Allele origin: germline. Inheritance: Autosomal dominant inheritance. Observed: 1 variant allele, 1 heterozygote.
Comment: Variant of Uncertain Significance due to insufficient evidence: This missense variant replaces arginine with cysteine at codon 1850 of the FBN1 protein. Computational prediction tools and conservation analyses suggest that this variant may have deleterious impact on the protein function. Computational splicing tools suggest that this variant may not impact RNA splicing. To our knowledge, functional assays have not been performed for this variant nor has this variant been reported in individuals affected with cardiovascular disorders in the literature. This variant has been identified in 2/245282 chromosomes in the general population by the Genome Aggregation Database (gnomAD). Available evidence is insufficient to determine the role of this variant in disease conclusively.

This study involves interpretation of variants in research participants for the purpose of population health screening. Participant phenotype was not available at the time of variant classification. Additional details can be found in publication PMID: 35346344, PMCID: PMC8962531

Ambry Genetics
Classification: Uncertain significance for Familial thoracic aortic aneurysm and aortic dissection. Last evaluated: 2022-11-17. Review status: criteria provided, single submitter. Criteria: Ambry Variant Classification Scheme 2023. Collection method: clinical testing. Allele origin: germline.
Comment: The p.R1850C variant (also known as c.5548C>T), located in coding exon 45 of the FBN1 gene, results from a C to T substitution at nucleotide position 5548. The arginine at codon 1850 is replaced by cysteine, an amino acid with highly dissimilar properties. This alteration has been reported in a biobank cohort with limited clinical data (Wenger BM et al. Genet Med, 2021 01;23:94-102). The majority of FBN1 mutations identified to date have involved the substitution or generation of cysteine residues within cbEGF domains (Vollbrandt T et al. J Biol Chem. 2004;279(31):32924-32931). This amino acid position is highly conserved in available vertebrate species. In addition, this alteration is predicted to be deleterious by in silico analysis. Since supporting evidence is limited at this time, the clinical significance of this alteration remains unclear.

Literature cited by the submitters: PubMed 15161917 (cited by Color Diagnostics, LLC DBA Color Health); PubMed 16571647 (cited by Color Diagnostics, LLC DBA Color Health); PubMed 17701892 (cited by Color Diagnostics, LLC DBA Color Health); PubMed 32989268 (cited by Ambry Genetics).